The following is an entry in ClinVar:

ClinVar aggregate classification (germline): Uncertain significance (1 of 4 stars; one submission).

Conditions:
Charcot-Marie-Tooth disease, type I (CMT1). Also called: Charcot-Marie-Tooth disease type 1; Charcot-Marie-Tooth, Type 1. Identifiers: Orphanet 65753, MedGen C0751036, MONDO:0019011.

Submission:

Labcorp Genetics (formerly Invitae), Labcorp
Classification: Uncertain significance for Charcot-Marie-Tooth disease, type I. Last evaluated: 2021-09-20. Review status: criteria provided, single submitter. Criteria: Invitae Variant Classification Sherloc (09022015). Collection method: clinical testing. Allele origin: germline.
Comment: In summary, the available evidence is currently insufficient to determine the role of this variant in disease. Therefore, it has been classified as a Variant of Uncertain Significance. This variant disrupts the p.Thr34 amino acid residue in MPZ. Other variant(s) that disrupt this residue have been observed in individuals with MPZ-related conditions (PMID: 8797476, 31372974), which suggests that this may be a clinically significant amino acid residue. Algorithms developed to predict the effect of sequence changes on RNA splicing suggest that this variant may create or strengthen a splice site. Algorithms developed to predict the effect of missense changes on protein structure and function (SIFT, PolyPhen-2, Align-GVGD) all suggest that this variant is likely to be disruptive. This variant has not been reported in the literature in individuals affected with MPZ-related conditions. This variant is not present in population databases (ExAC no frequency). This sequence change replaces threonine with serine at codon 34 of the MPZ protein (p.Thr34Ser). The threonine residue is highly conserved and there is a small physicochemical difference between threonine and serine.

Literature cited by the submitters: PubMed 8797476; PubMed 31372974.

NM_000530.8(MPZ):c.101C>G (p.Thr34Ser)

Gene: MPZ (myelin protein zero; minus strand). Cytogenetic location: 1q23.3.
Variant type: single nucleotide variant.
Coding change: c.101C>G on transcript NM_000530.8 (MANE Select); coding-DNA position 101, C replaced by G.
Protein change: p.Thr34Ser; replaces threonine 34 with serine.
Molecular consequence: missense variant.
Genome position (GRCh38, 1-based): chr1:161,307,391, G>C on the plus strand (C>G on the coding strand, the complement: MPZ is on the minus strand). VCF-style: chr1-161307391-G-C. GRCh37 (hg19) VCF-style: chr1-161277181-G-C.
Other names: c.101C>G, p.Thr34Ser (NM_001315491.2); short protein forms T34S.
Identifiers: ClinVar variation 1406447 (VCV001406447.6), dbSNP rs1571820317, ClinGen allele CA343351544.
Genomic context (GRCh38, chr1:161,307,391, plus strand): 5'-GACCAGAAGGAGCAGTGCAGGGTCACCCGGGAGCCCACAGCACCATGGACCTCCCTGTCG[G>C]TGTAAACCACGATGGCCTGGGCCGGGGACAGCACTGCAAGCACAAAGTGGGGAATCAGAT-3'
Protein context (NP_000521.2, residues 24-44): LSPAQAIVVY[Thr34Ser]DREVHGAVGS